The following is an entry in ClinVar:

NM_001113378.2(FANCI):c.257C>G (p.Ala86Gly)

Gene: FANCI (FA complementation group I; plus strand). Cytogenetic location: 15q26.1.
Variant type: single nucleotide variant.
Coding change: c.257C>G on transcript NM_001113378.2 (MANE Select); coding-DNA position 257, C replaced by G.
Protein change: p.Ala86Gly; replaces alanine 86 with glycine.
Molecular consequence: missense variant. On other transcripts: 5 prime UTR variant (1).
Genome position (GRCh38, 1-based): chr15:89,260,812, C>G. VCF-style: chr15-89260812-C-G. GRCh37 (hg19) VCF-style: chr15-89804043-C-G.
Other names: c.-23C>G (NM_001376910.1); c.257C>G, p.Ala86Gly (NM_001376911.1, NM_018193.3); short protein forms A86G.
Identifiers: ClinVar variation 2759823 (VCV002759823.3), dbSNP rs17803620, ClinGen allele CA7722546.

ClinVar aggregate classification (germline): Uncertain significance (1 of 4 stars; one submission).

Conditions:
Fanconi anemia (FA). Also called: Fanconi's anemia. Identifiers: Orphanet 84, MedGen C0015625, MeSH D005199, MONDO:0019391.

Submission:

Labcorp Genetics (formerly Invitae), Labcorp
Classification: Uncertain significance for Fanconi anemia. Last evaluated: 2024-10-02. Review status: criteria provided, single submitter. Criteria: Invitae Variant Classification Sherloc (09022015). Collection method: clinical testing. Allele origin: germline.
Comment: This sequence change replaces alanine, which is neutral and non-polar, with glycine, which is neutral and non-polar, at codon 86 of the FANCI protein (p.Ala86Gly). This variant is present in population databases (rs17803620, gnomAD 0.006%). This variant has not been reported in the literature in individuals affected with FANCI-related conditions. Invitae Evidence Modeling of protein sequence and biophysical properties (such as structural, functional, and spatial information, amino acid conservation, physicochemical variation, residue mobility, and thermodynamic stability) indicates that this missense variant is not expected to disrupt FANCI protein function with a negative predictive value of 80%. Algorithms developed to predict the effect of sequence changes on RNA splicing suggest that this variant may disrupt the consensus splice site. In summary, the available evidence is currently insufficient to determine the role of this variant in disease. Therefore, it has been classified as a Variant of Uncertain Significance.